The following is an entry in ClinVar:

NM_003906.5(MCM3AP):c.3780G>A (p.Met1260Ile)

Gene: MCM3AP (minichromosome maintenance complex component 3 associated protein; minus strand). Cytogenetic location: 21q22.3.
Variant type: single nucleotide variant.
Coding change: c.3780G>A on transcript NM_003906.5 (MANE Select); coding-DNA position 3780, G replaced by A.
Protein change: p.Met1260Ile; replaces methionine 1260 with isoleucine.
Molecular consequence: missense variant.
Genome position (GRCh38, 1-based): chr21:46,256,941, C>T on the plus strand (G>A on the coding strand, the complement: MCM3AP is on the minus strand). VCF-style: chr21-46256941-C-T. GRCh37 (hg19) VCF-style: chr21-47676855-C-T.
Other names: c.3780G>A (NM_003906.3); short protein forms M1260I.
Identifiers: ClinVar variation 1405885 (VCV001405885.4), dbSNP rs754720579, ClinGen allele CA10076374.

ClinVar aggregate classification (germline): Uncertain significance. Review status: criteria provided, multiple submitters, no conflicts (2 of 4 stars). 2 submissions from 2 submitters: Uncertain significance (2). Last evaluated 2024-05-15.

Conditions:
Inborn genetic diseases. Identifiers: MedGen C0950123, MeSH D030342.

Allele frequency attached by ClinVar (database versions not stated): gnomAD 0.00001; gnomAD exomes 0.00001 and 0.00006; TOPMed 0.00004; ExAC 0.00009.

Submissions (2):

Ambry Genetics
Classification: Uncertain significance for Inborn genetic diseases. Last evaluated: 2024-05-15. Review status: criteria provided, single submitter. Criteria: Ambry Variant Classification Scheme 2023. Collection method: clinical testing. Allele origin: germline.

Labcorp Genetics (formerly Invitae), Labcorp
Classification: Uncertain significance. Last evaluated: 2022-06-08. Review status: criteria provided, single submitter. Criteria: Invitae Variant Classification Sherloc (09022015). Collection method: clinical testing. Allele origin: germline.
Comment: This sequence change replaces methionine, which is neutral and non-polar, with isoleucine, which is neutral and non-polar, at codon 1260 of the MCM3AP protein (p.Met1260Ile). This variant is present in population databases (rs754720579, gnomAD 0.04%). This variant has not been reported in the literature in individuals affected with MCM3AP-related conditions. Algorithms developed to predict the effect of missense changes on protein structure and function are either unavailable or do not agree on the potential impact of this missense change (SIFT: "Deleterious"; PolyPhen-2: "Possibly Damaging"; Align-GVGD: "Class C0"). In summary, the available evidence is currently insufficient to determine the role of this variant in disease. Therefore, it has been classified as a Variant of Uncertain Significance.